The following is an entry in ClinVar:

ClinVar aggregate classification (germline): Uncertain significance (1 of 4 stars; one submission).

Allele frequency attached by ClinVar (database versions not stated): gnomAD exomes below 0.00001; TOPMed below 0.00001; gnomAD 0.00001.
gnomAD v4.1: 2 of 1,613,788 alleles (0.00012%); no homozygotes.

Submission:

Labcorp Genetics (formerly Invitae), Labcorp
Classification: Uncertain significance. Last evaluated: 2022-08-15. Review status: criteria provided, single submitter. Criteria: Invitae Variant Classification Sherloc (09022015). Collection method: clinical testing. Allele origin: germline.
Comment: This variant has not been reported in the literature in individuals affected with FBXO11-related conditions. In summary, the available evidence is currently insufficient to determine the role of this variant in disease. Therefore, it has been classified as a Variant of Uncertain Significance. Algorithms developed to predict the effect of sequence changes on RNA splicing suggest that this variant may create or strengthen a splice site. Algorithms developed to predict the effect of missense changes on protein structure and function (SIFT, PolyPhen-2, Align-GVGD) all suggest that this variant is likely to be tolerated. ClinVar contains an entry for this variant (Variation ID: 1391059). This variant is present in population databases (no rsID available, gnomAD 0.008%). This sequence change replaces asparagine, which is neutral and polar, with serine, which is neutral and polar, at codon 524 of the FBXO11 protein (p.Asn524Ser).

NM_001190274.2(FBXO11):c.1571A>G (p.Asn524Ser)

Gene: FBXO11 (F-box protein 11; minus strand). Cytogenetic location: 2p16.3.
Variant type: single nucleotide variant.
Coding change: c.1571A>G on transcript NM_001190274.2 (MANE Select); coding-DNA position 1571, A replaced by G.
Protein change: p.Asn524Ser; replaces asparagine 524 with serine.
Molecular consequence: missense variant.
Genome position (GRCh38, 1-based): chr2:47,823,188, T>C on the plus strand (A>G on the coding strand, the complement: FBXO11 is on the minus strand). VCF-style: chr2-47823188-T-C. GRCh37 (hg19) VCF-style: chr2-48050327-T-C.
Other names: c.1319A>G, p.Asn440Ser (NM_001374325.1, NM_025133.4); short protein forms N440S, N524S.
Identifiers: ClinVar variation 1391059 (VCV001391059.6), dbSNP rs1407776134, ClinGen allele CA346764740.
Genomic context (GRCh38, chr2:47,823,188, plus strand): 5'-ATTATATGTAAATACCTTATTGTTGGGTCACTATTTGAGGTAATCCATACACCTGCAAAG[T>C]TGTTTGCATAGATTTTATTCTCTATGAATTGTCCTCTTCCTTTTTCATGGACATATATTC-3'
Protein context (NP_001177203.1, residues 514-534): QFIENKIYAN[Asn524Ser]FAGVWITSNS